The following is an entry in ClinVar:

NM_000138.5(FBN1):c.4523G>T (p.Ser1508Ile)

Gene: FBN1 (fibrillin 1; minus strand). Cytogenetic location: 15q21.1.
Variant type: single nucleotide variant.
Coding change: c.4523G>T on transcript NM_000138.5 (MANE Select); coding-DNA position 4523, G replaced by T.
Protein change: p.Ser1508Ile; replaces serine 1508 with isoleucine.
Molecular consequence: missense variant.
Genome position (GRCh38, 1-based): chr15:48,468,471, C>A on the plus strand (G>T on the coding strand, the complement: FBN1 is on the minus strand). VCF-style: chr15-48468471-C-A. GRCh37 (hg19) VCF-style: chr15-48760668-C-A.
Other names: short protein forms S1508I.
Identifiers: ClinVar variation 519764 (VCV000519764.14), dbSNP rs1555397207, ClinGen allele CA392353559.
Genomic context (GRCh38, chr15:48,468,471, plus strand): 5'-CCAACACAGCCAACTCGAGTTGGGTTCAGTTCAAAATCAGGTGGGCAGTCACAGATATAG[C>A]TGCCTGGAGTGTTGACACAGTTCCCACTGATGCACGTGGTTGGATCCAGGCATTCATTCA-3'
Protein context (NP_000129.3, residues 1498-1518): ISGNCVNTPG[Ser1508Ile]YICDCPPDFE

ClinVar aggregate classification (germline): Conflicting classifications of pathogenicity. Review status: criteria provided, conflicting classifications (1 of 4 stars). 3 submissions from 3 submitters: Likely pathogenic (1); Uncertain significance (2). Last evaluated 2026-03-04.

Conditions:
Familial thoracic aortic aneurysm and aortic dissection (TAAD). Also called: Thoracic aortic aneurysms and dissections. Identifiers: Orphanet 91387, MedGen C4707243, MONDO:0019625.
Marfan syndrome (MFS). Also called: Marfan syndrome type 1; Marfan syndrome, classic; Marfan's syndrome; FBN1-Related Marfan Syndrome; MARFAN SYNDROME, TYPE I. Identifiers: Orphanet 284963, Orphanet 558, MedGen C0024796, MONDO:0007947, OMIM 154700.

Submissions (3):

Ambry Genetics
Classification: Uncertain significance for Familial thoracic aortic aneurysm and aortic dissection. Last evaluated: 2026-03-04. Review status: criteria provided, single submitter. Criteria: Ambry Variant Classification Scheme 2023. Collection method: clinical testing. Allele origin: germline.
Comment: The p.S1508I variant (also known as c.4523G>T), located in coding exon 36 of the FBN1 gene, results from a G to T substitution at nucleotide position 4523. The serine at codon 1508 is replaced by isoleucine, an amino acid with dissimilar properties. This variant was reported in individual(s) with features consistent with Marfan syndrome and related fibrillinopathies (Ambry internal data; external communication). This amino acid position is highly conserved in available vertebrate species. In addition, this alteration is predicted to be deleterious by in silico analysis. Since supporting evidence is limited at this time, the clinical significance of this alteration remains unclear.

Labcorp Genetics (formerly Invitae), Labcorp
Classification: Likely pathogenic for Marfan syndrome; Familial thoracic aortic aneurysm and aortic dissection. Last evaluated: 2024-12-04. Review status: criteria provided, single submitter. Criteria: Invitae Variant Classification Sherloc (09022015). Collection method: clinical testing. Allele origin: germline.
Comment: This sequence change replaces serine, which is neutral and polar, with isoleucine, which is neutral and non-polar, at codon 1508 of the FBN1 protein (p.Ser1508Ile). This variant is not present in population databases (gnomAD no frequency). This missense change has been observed in individuals with FBN1-related conditions (internal data). ClinVar contains an entry for this variant (Variation ID: 519764). Invitae Evidence Modeling of protein sequence and biophysical properties (such as structural, functional, and spatial information, amino acid conservation, physicochemical variation, residue mobility, and thermodynamic stability) indicates that this missense variant is expected to disrupt FBN1 protein function with a positive predictive value of 95%. In summary, the currently available evidence indicates that the variant is pathogenic, but additional data are needed to prove that conclusively. Therefore, this variant has been classified as Likely Pathogenic.

All of Us Research Program, National Institutes of Health
Classification: Uncertain significance for Marfan syndrome. Last evaluated: 2024-04-10. Review status: criteria provided, single submitter. Criteria: ACMG Guidelines, 2015. Collection method: clinical testing. Allele origin: germline. Inheritance: Autosomal dominant inheritance. Observed: 2 variant alleles, 2 heterozygotes.
Comment: This study involves interpretation of variants in research participants for the purpose of population health screening. Participant phenotype was not available at the time of variant classification. Additional details can be found in publication PMID: 35346344, PMCID: PMC8962531